The following is an entry in ClinVar:

NM_000465.4(BARD1):c.1226C>T (p.Ser409Phe)

Gene: BARD1 (BRCA1 associated RING domain 1; minus strand). Cytogenetic location: 2q35.
Variant type: single nucleotide variant.
Coding change: c.1226C>T on transcript NM_000465.4 (MANE Select); coding-DNA position 1226, C replaced by T.
Protein change: p.Ser409Phe; replaces serine 409 with phenylalanine.
Molecular consequence: missense variant. On other transcripts: non-coding transcript variant (2), intron variant (3).
Genome position (GRCh38, 1-based): chr2:214,780,648, G>A on the plus strand (C>T on the coding strand, the complement: BARD1 is on the minus strand). VCF-style: chr2-214780648-G-A. GRCh37 (hg19) VCF-style: chr2-215645372-G-A.
Other names: c.1169C>T, p.Ser390Phe (NM_001282543.2); c.159-28093C>T (NM_001282548.2); c.215+16413C>T (NM_001282545.2); c.364+11649C>T (NM_001282549.2); short protein forms S390F, S409F.
Identifiers: ClinVar variation 1320963 (VCV001320963.3), dbSNP rs786202226, ClinGen allele CA350453648.

ClinVar aggregate classification (germline): Uncertain significance. Review status: criteria provided, multiple submitters, no conflicts (2 of 4 stars). 2 submissions from 2 submitters: Uncertain significance (2). Last evaluated 2024-07-15.

Conditions:
Hereditary cancer-predisposing syndrome. Also called: Hereditary neoplastic syndrome; Neoplastic Syndromes, Hereditary; Tumor predisposition; Hereditary Cancer Syndrome. Identifiers: Orphanet 140162, MedGen C0027672, MeSH D009386, MONDO:0015356.

Submissions (2):

Ambry Genetics
Classification: Uncertain significance for Hereditary cancer-predisposing syndrome. Last evaluated: 2024-07-15. Review status: criteria provided, single submitter. Criteria: Ambry Variant Classification Scheme 2023. Collection method: clinical testing. Allele origin: germline.
Comment: The p.S409F variant (also known as c.1226C>T), located in coding exon 4 of the BARD1 gene, results from a C to T substitution at nucleotide position 1226. The serine at codon 409 is replaced by phenylalanine, an amino acid with highly dissimilar properties. This amino acid position is conserved. In addition, this alteration is predicted to be tolerated by in silico analysis. Based on the available evidence, the clinical significance of this variant remains unclear.

GeneDx
Classification: Uncertain significance. Last evaluated: 2020-05-19. Review status: criteria provided, single submitter. Criteria: GeneDx Variant Classification Process June 2021. Collection method: clinical testing. Allele origin: germline. Affected: yes.
Comment: Not observed in large population cohorts (Lek et al., 2016); In silico analysis supports that this missense variant does not alter protein structure/function; Has not been previously published as pathogenic or benign to our knowledge